The following is an entry in ClinVar:

NM_015202.5(KATNIP):c.3346+8G>T

Gene: KATNIP (katanin interacting protein; plus strand). Cytogenetic location: 16p12.1.
Variant type: single nucleotide variant.
Coding change: c.3346+8G>T on transcript NM_015202.5 (MANE Select); 8 bases into the intron after coding-DNA position 3346, G replaced by T.
Molecular consequence: intron variant.
Genome position (GRCh38, 1-based): chr16:27,750,314, G>T. VCF-style: chr16-27750314-G-T. GRCh37 (hg19) VCF-style: chr16-27761635-G-T.
Identifiers: ClinVar variation 2682276 (VCV002682276.5), dbSNP rs374277288, ClinGen allele CA7978203.

ClinVar aggregate classification (germline): Likely benign. Review status: criteria provided, multiple submitters, no conflicts (2 of 4 stars). 3 submissions from 3 submitters: Likely benign (3). Last evaluated 2025-04-30.

Allele frequency attached by ClinVar (database versions not stated): ESP Exome Variant Server 0.00023.
gnomAD v4.1: 21 of 1,592,248 alleles (0.0013%); highest among the groups gnomAD compares: African/African-American, 0.024%; no homozygotes.

Submissions (3):

Women's Health and Genetics/Laboratory Corporation of America, LabCorp
Classification: Likely benign. Last evaluated: 2025-04-30. Review status: criteria provided, single submitter. Criteria: LabCorp Variant Classification Summary - May 2015. Collection method: clinical testing. Allele origin: germline.
Comment: Variant summary: KATNIP c.3346+8G>T alters a non-conserved nucleotide located at a position not widely known to affect splicing. Consensus agreement among computation tools predict no significant impact on normal splicing. However, these predictions have yet to be confirmed by functional studies. The variant was absent in 226586 control chromosomes. The available data on variant occurrences in the general population are insufficient to allow any conclusion about variant significance. c.3346+8G>T has been reported in the presumed compound heterozygous state in the literature in an individual affected with pituitary stalk interruption syndrome (Brauner_2020), without strong evidence for causality. These report(s) do not provide unequivocal conclusions about association of the variant with Joubert Syndrome 26. To our knowledge, no experimental evidence demonstrating an impact on protein function has been reported. ClinVar contains an entry for this variant (Variation ID: 2682276). Based on the evidence outlined above, the variant was classified as likely benign.

Labcorp Genetics (formerly Invitae), Labcorp
Classification: Likely benign. Last evaluated: 2024-04-04. Review status: criteria provided, single submitter. Criteria: Invitae Variant Classification Sherloc (09022015). Collection method: clinical testing. Allele origin: germline.

Blueprint Genetics
Classification: Likely benign. Last evaluated: 2023-04-27. Review status: criteria provided, single submitter. Criteria: ACMG Guidelines, 2015. Collection method: clinical testing. Allele origin: germline.

Literature cited by the submitters: PubMed 33270637 (cited by Women's Health and Genetics/Laboratory Corporation of America, LabCorp).